The following is an entry in ClinVar:

ClinVar aggregate classification (germline): Benign. Review status: criteria provided, multiple submitters, no conflicts (2 of 4 stars). 3 submissions from 3 submitters: Benign (2). 1 of the submissions does not count toward it. Last evaluated 2026-01-02.

Conditions:
Dowling-Degos disease 2 (DDD2). Identifiers: Orphanet 79145, MedGen C3809147, MONDO:0014130, OMIM 615327.
POFUT1-related disorder. Also called: POFUT1-related condition.

Allele frequency attached by ClinVar (database versions not stated): ExAC 0.00107; TOPMed 0.00110; gnomAD 0.00111 and 0.00123; ESP Exome Variant Server 0.00123; gnomAD exomes 0.00144.
gnomAD v4.1: 1,412 of 1,614,110 alleles (0.087%); highest among the groups gnomAD compares: Non-Finnish European, 0.02%; 19 homozygotes.

Submissions (3):

Labcorp Genetics (formerly Invitae), Labcorp
Classification: Benign for Dowling-Degos disease 2. Last evaluated: 2026-01-02. Review status: criteria provided, single submitter. Criteria: Invitae Variant Classification Sherloc (09022015). Collection method: clinical testing. Allele origin: germline.

Breakthrough Genomics
Classification: Benign. Review status: criteria provided, single submitter. Criteria: ACMG Guidelines, 2015. Collection method: not provided. Allele origin: germline. Inheritance: Autosomal dominant inheritance. Affected: yes.

PreventionGenetics, part of Exact Sciences
Classification: Benign for POFUT1-related condition. Last evaluated: 2019-12-09. Review status: no assertion criteria provided. Collection method: clinical testing. Allele origin: germline. Not counted in ClinVar's aggregate classification.
Comment: This variant is classified as benign based on ACMG/AMP sequence variant interpretation guidelines (Richards et al. 2015 PMID: 25741868, with internal and published modifications).

NM_015352.2(POFUT1):c.1042G>A (p.Asp348Asn)

Gene: POFUT1 (protein O-fucosyltransferase 1; plus strand). Cytogenetic location: 20q11.21.
Variant type: single nucleotide variant.
Coding change: c.1042G>A on transcript NM_015352.2 (MANE Select); coding-DNA position 1042, G replaced by A.
Protein change: p.Asp348Asn; replaces aspartic acid 348 with asparagine.
Molecular consequence: missense variant.
Genome position (GRCh38, 1-based): chr20:32,234,536, G>A. VCF-style: chr20-32234536-G-A. GRCh37 (hg19) VCF-style: chr20-30822339-G-A.
Other names: c.1042G>A (NM_015352.1); short protein forms D348N.
Identifiers: ClinVar variation 1592932 (VCV001592932.11), dbSNP rs35259534, ClinGen allele CA9807466.